The following is an entry in ClinVar:

ClinVar aggregate classification (germline): Uncertain significance. Review status: criteria provided, multiple submitters, no conflicts (2 of 4 stars). 2 submissions from 2 submitters: Uncertain significance (2). Last evaluated 2024-11-27.

Conditions:
Hereditary cancer-predisposing syndrome. Also called: Hereditary neoplastic syndrome; Tumor predisposition; Neoplastic Syndromes, Hereditary; Hereditary Cancer Syndrome. Identifiers: Orphanet 140162, MedGen C0027672, MeSH D009386, MONDO:0015356.
Hereditary diffuse gastric adenocarcinoma (HDGC). Also called: DIFFUSE GASTRIC AND LOBULAR BREAST CANCER SYNDROME. Identifiers: Orphanet 26106, MedGen C1708349, MONDO:0007648, OMIM 137215.

Submissions (2):

Ambry Genetics
Classification: Uncertain significance for Hereditary cancer-predisposing syndrome. Last evaluated: 2024-11-27. Review status: criteria provided, single submitter. Criteria: Ambry Variant Classification Scheme 2023. Collection method: clinical testing. Allele origin: germline.
Comment: The p.T539S variant (also known as c.1616C>G), located in coding exon 11 of the CDH1 gene, results from a C to G substitution at nucleotide position 1616. The threonine at codon 539 is replaced by serine, an amino acid with similar properties. This amino acid position is poorly conserved in available vertebrate species. In addition, this alteration is predicted to be tolerated by in silico analysis. In silico splice site analysis predicts that this alteration will not have any significant effect on splicing; however, direct evidence is insufficient at this time (Ambry internal data). Based on the available evidence, the clinical significance of this variant remains unclear.

Labcorp Genetics (formerly Invitae), Labcorp
Classification: Uncertain significance for Hereditary diffuse gastric adenocarcinoma. Last evaluated: 2019-11-29. Review status: criteria provided, single submitter. Criteria: Invitae Variant Classification Sherloc (09022015). Collection method: clinical testing. Allele origin: germline.
Comment: This variant has not been reported in the literature in individuals with CDH1-related conditions. This variant is not present in population databases (ExAC no frequency). This sequence change replaces threonine with serine at codon 539 of the CDH1 protein (p.Thr539Ser). The threonine residue is moderately conserved and there is a small physicochemical difference between threonine and serine. In summary, the available evidence is currently insufficient to determine the role of this variant in disease. Therefore, it has been classified as a Variant of Uncertain Significance. Algorithms developed to predict the effect of missense changes on protein structure and function output the following: SIFT: "Tolerated"; PolyPhen-2: "Benign"; Align-GVGD: "Class C0". The serine amino acid residue is found in multiple mammalian species, suggesting that this missense change does not adversely affect protein function. These predictions have not been confirmed by published functional studies and their clinical significance is uncertain.

NM_004360.5(CDH1):c.1616C>G (p.Thr539Ser)

Gene: CDH1 (cadherin 1; plus strand). Cytogenetic location: 16q22.1.
Variant type: single nucleotide variant.
Coding change: c.1616C>G on transcript NM_004360.5 (MANE Select); coding-DNA position 1616, C replaced by G.
Protein change: p.Thr539Ser; replaces threonine 539 with serine.
Molecular consequence: missense variant. On other transcripts: intron variant (1).
Genome position (GRCh38, 1-based): chr16:68,819,330, C>G. VCF-style: chr16-68819330-C-G. GRCh37 (hg19) VCF-style: chr16-68853233-C-G.
Other names: c.1433C>G, p.Thr478Ser (NM_001317184.2); c.68C>G, p.Thr23Ser (NM_001317185.2); c.-254-2671C>G (NM_001317186.2); short protein forms T23S, T478S, T539S.
Identifiers: ClinVar variation 861095 (VCV000861095.11), dbSNP rs1961075409, ClinGen allele CA396465079.